The following is an entry in ClinVar:

NM_032575.3(GLIS2):c.408C>T (p.Leu136=)

Gene: GLIS2 (GLIS family zinc finger 2; plus strand). Cytogenetic location: 16p13.3.
Variant type: single nucleotide variant.
Coding change: c.408C>T on transcript NM_032575.3 (MANE Select); coding-DNA position 408, C replaced by T.
Protein change: p.Leu136=; no amino-acid change (leucine 136 retained).
Molecular consequence: synonymous variant.
Genome position (GRCh38, 1-based): chr16:4,334,863, C>T. VCF-style: chr16-4334863-C-T. GRCh37 (hg19) VCF-style: chr16-4384864-C-T.
Other names: c.408C>T, p.Leu136= (NM_001318918.2).
Identifiers: ClinVar variation 3350248 (VCV003350248.1).

ClinVar aggregate classification (germline): Likely benign (0 of 4 stars; one submission).

Conditions:
GLIS2-related disorder. Also called: GLIS2-related condition.

gnomAD v4.1: 32 of 1,613,224 alleles (0.002%); highest among the groups gnomAD compares: East Asian, 0.018%; no homozygotes.

Submission:

PreventionGenetics, part of Exact Sciences
Classification: Likely benign for GLIS2-related condition. Last evaluated: 2024-04-18. Review status: no assertion criteria provided. Collection method: clinical testing. Allele origin: germline.
Comment: This variant is classified as likely benign based on ACMG/AMP sequence variant interpretation guidelines (Richards et al. 2015 PMID: 25741868, with internal and published modifications).